The following is an entry in ClinVar:

ClinVar aggregate classification (germline): Pathogenic (1 of 4 stars; one submission).

Conditions:
Neuromuscular disease caused by qualitative or quantitative defects of dysferlin. Also called: Qualitative or quantitative defects of dysferlin; Dysferlinopathy. Identifiers: Orphanet 207073, MedGen C2931687, MONDO:0016145.

Submission:

Labcorp Genetics (formerly Invitae), Labcorp
Classification: Pathogenic for Neuromuscular disease caused by qualitative or quantitative defects of dysferlin. Last evaluated: 2022-10-31. Review status: criteria provided, single submitter. Criteria: Invitae Variant Classification Sherloc (09022015). Collection method: clinical testing. Allele origin: germline.
Comment: This variant is a gross deletion of the genomic region encompassing exon(s) 52 of the DYSF gene. This deletion is out-of-frame, and is expected to create a premature termination codon and result in an absent or disrupted protein product. Loss-of-function variants in DYSF are known to be pathogenic (PMID: 17698709, 20301480). A similar copy number variant has been observed in individuals with dysferlinopathy (PMID: 19594366; Invitae). For these reasons, this variant has been classified as Pathogenic.

Literature cited by the submitters: PubMed 17698709; PubMed 20301480; PubMed 19594366.

NC_000002.12:g.(?_71679047)_(71679245_?)del

Gene: DYSF (dysferlin; plus strand). Cytogenetic location: 2p13.2.
Variant type: Deletion.
Identifiers: ClinVar variation 640452 (VCV000640452.3).